The following is an entry in ClinVar:

NM_001161403.3(LIMS2):c.11+1330G>A

Gene: LIMS2 (LIM zinc finger domain containing 2; minus strand). Cytogenetic location: 2q14.3.
Variant type: single nucleotide variant.
Coding change: c.11+1330G>A on transcript NM_001161403.3 (MANE Select); 1330 bases into the intron after coding-DNA position 11, G replaced by A.
Molecular consequence: intron variant. On other transcripts: missense variant (1).
Genome position (GRCh38, 1-based): chr2:127,673,684, C>T on the plus strand (G>A on the coding strand, the complement: LIMS2 is on the minus strand). VCF-style: chr2-127673684-C-T. GRCh37 (hg19) VCF-style: chr2-128431258-C-T.
Other names: c.71G>A, p.Arg24Lys (NM_001136037.4); c.-5+7636G>A (NM_001161404.2); short protein forms R24K.
Identifiers: ClinVar variation 854784 (VCV000854784.10), dbSNP rs113414022, ClinGen allele CA55394359.
Genomic context (GRCh38, chr2:127,673,684, plus strand): 5'-GCTCTGTTCTCCTCGACATCCCTCCTGTGCCTGAAGGAACCGCCTCTCACCCACCTCCAC[C>T]TCAATGCTGCTGCTGGGGCTGCTCCGGACCCTGTTCCTGTCTCTCCCCACTTTCTTTTCC-3'

ClinVar aggregate classification (germline): Uncertain significance (1 of 4 stars; one submission).

Conditions:
Autosomal recessive limb-girdle muscular dystrophy type 2W (MDRCMTT). Also called: Muscular dystrophy, autosomal recessive, with cardiomyopathy and triangular tongue; Muscular dystrophy, limb-girdle, type 2W. Identifiers: MedGen C4225192, MONDO:0014788, OMIM 616827.

Allele frequency attached by ClinVar (database versions not stated): gnomAD 0.00001; gnomAD exomes 0.00001; TOPMed 0.00008.
gnomAD v4.1: 24 of 1,551,458 alleles (0.0015%); highest among the groups gnomAD compares: African/African-American, 0.018%; no homozygotes.

Submission:

Labcorp Genetics (formerly Invitae), Labcorp
Classification: Uncertain significance for Autosomal recessive limb-girdle muscular dystrophy type 2W. Last evaluated: 2025-08-10. Review status: criteria provided, single submitter. Criteria: Invitae Variant Classification Sherloc (09022015). Collection method: clinical testing. Allele origin: germline.
Comment: This sequence change replaces arginine, which is basic and polar, with lysine, which is basic and polar, at codon 24 of the LIMS2 protein (p.Arg24Lys). This variant is not present in population databases (gnomAD no frequency). This variant has not been reported in the literature in individuals affected with LIMS2-related conditions. ClinVar contains an entry for this variant (Variation ID: 854784). An algorithm developed to predict the effect of missense changes on protein structure and function (PolyPhen-2) suggests that this variant is likely to be tolerated. In summary, the available evidence is currently insufficient to determine the role of this variant in disease. Therefore, it has been classified as a Variant of Uncertain Significance.